The following is an entry in ClinVar:

NM_199242.3(UNC13D):c.1655T>C (p.Met552Thr)

Gene: UNC13D (unc-13 homolog D; minus strand). Cytogenetic location: 17q25.1.
Variant type: single nucleotide variant.
Coding change: c.1655T>C on transcript NM_199242.3 (MANE Select); coding-DNA position 1655, T replaced by C.
Protein change: p.Met552Thr; replaces methionine 552 with threonine.
Molecular consequence: missense variant.
Genome position (GRCh38, 1-based): chr17:75,835,719, A>G on the plus strand (T>C on the coding strand, the complement: UNC13D is on the minus strand). VCF-style: chr17-75835719-A-G. GRCh37 (hg19) VCF-style: chr17-73831800-A-G.
Other names: short protein forms M552T.
Identifiers: ClinVar variation 1715234 (VCV001715234.3), dbSNP rs2545981638, ClinGen allele CA401094253.

ClinVar aggregate classification (germline): Uncertain significance (1 of 4 stars; one submission).

Conditions:
Familial hemophagocytic lymphohistiocytosis 3 (FHL3). Also called: UNC13D-Related Familial Hemophagocytic Lymphohistiocytosis (UNC13D-fHLH). Identifiers: Orphanet 540, MedGen C1837174, MONDO:0012146, OMIM 608898.

Submission:

Labcorp Genetics (formerly Invitae), Labcorp
Classification: Uncertain significance for Familial hemophagocytic lymphohistiocytosis 3. Last evaluated: 2022-08-05. Review status: criteria provided, single submitter. Criteria: Invitae Variant Classification Sherloc (09022015). Collection method: clinical testing. Allele origin: germline.
Comment: This sequence change replaces methionine, which is neutral and non-polar, with threonine, which is neutral and polar, at codon 552 of the UNC13D protein (p.Met552Thr). This variant is not present in population databases (gnomAD no frequency). This variant has not been reported in the literature in individuals affected with UNC13D-related conditions. Algorithms developed to predict the effect of missense changes on protein structure and function are either unavailable or do not agree on the potential impact of this missense change (SIFT: "Not Available"; PolyPhen-2: "Benign"; Align-GVGD: "Not Available"). In summary, the available evidence is currently insufficient to determine the role of this variant in disease. Therefore, it has been classified as a Variant of Uncertain Significance.